The following is an entry in ClinVar:

NM_007254.4(PNKP):c.1293C>T (p.Arg431=)

Gene: PNKP (polynucleotide kinase 3'-phosphatase; minus strand). Cytogenetic location: 19q13.33.
Variant type: single nucleotide variant.
Coding change: c.1293C>T on transcript NM_007254.4 (MANE Select); coding-DNA position 1293, C replaced by T.
Protein change: p.Arg431=; no amino-acid change (arginine 431 retained).
Molecular consequence: synonymous variant.
Genome position (GRCh38, 1-based): chr19:49,861,777, G>A on the plus strand (C>T on the coding strand, the complement: PNKP is on the minus strand). VCF-style: chr19-49861777-G-A. GRCh37 (hg19) VCF-style: chr19-50365034-G-A.
Identifiers: ClinVar variation 1126203 (VCV001126203.22), dbSNP rs143390809, ClinGen allele CA9586483.

ClinVar aggregate classification (germline): Likely benign. Review status: criteria provided, multiple submitters, no conflicts (2 of 4 stars). 2 submissions from 2 submitters: Likely benign (2). Last evaluated 2025-08-20.

Conditions:
Developmental and epileptic encephalopathy, 12 (DEE12). Identifiers: MedGen C3150988, MONDO:0013389, OMIM 613722.

Allele frequency attached by ClinVar (database versions not stated): gnomAD 0.00001; ESP Exome Variant Server 0.00008; ExAC 0.00009.

Submissions (2):

Labcorp Genetics (formerly Invitae), Labcorp
Classification: Likely benign for Developmental and epileptic encephalopathy, 12. Last evaluated: 2025-08-20. Review status: criteria provided, single submitter. Criteria: Invitae Variant Classification Sherloc (09022015). Collection method: clinical testing. Allele origin: germline.

CeGaT Center for Human Genetics Tuebingen
Classification: Likely benign. Last evaluated: 2025-01-01. Review status: criteria provided, single submitter. Criteria: CeGaT Center For Human Genetics Tuebingen Variant Classification Criteria Version 2. Collection method: clinical testing. Allele origin: germline. Affected: yes. Observed: 1 variant allele.
Comment: PNKP: BP4, BP7